The following is an entry in ClinVar:

NM_000821.7(GGCX):c.903C>T (p.Tyr301=)

Gene: GGCX (gamma-glutamyl carboxylase; minus strand). Cytogenetic location: 2p11.2.
Variant type: single nucleotide variant.
Coding change: c.903C>T on transcript NM_000821.7 (MANE Select); coding-DNA position 903, C replaced by T.
Protein change: p.Tyr301=; no amino-acid change (tyrosine 301 retained).
Molecular consequence: synonymous variant.
Genome position (GRCh38, 1-based): chr2:85,553,484, G>A on the plus strand (C>T on the coding strand, the complement: GGCX is on the minus strand). VCF-style: chr2-85553484-G-A. GRCh37 (hg19) VCF-style: chr2-85780607-G-A.
Other names: c.732C>T, p.Tyr244= (NM_001142269.4); c.903C>T (NM_000821.6).
Identifiers: ClinVar variation 898111 (VCV000898111.7), dbSNP rs751710756, ClinGen allele CA1741975.

ClinVar aggregate classification (germline): Conflicting classifications of pathogenicity. Review status: criteria provided, conflicting classifications (1 of 4 stars). 3 submissions from 3 submitters: Uncertain significance (1); Likely benign (2). Last evaluated 2025-02-11.

Conditions:
GGCX-related disorder. Also called: GGCX - Related Disorders; GGCX-related condition.
Vitamin K-dependent clotting factors, combined deficiency of, type 1. Also called: FACTORS II, VII, IX, AND X, COMBINED DEFICIENCY OF; FAMILIAL MULTIPLE COAGULATION FACTOR DEFICIENCY III; FMFD III; GLUTAMIC ACID, DEFICIENT GAMMA-CARBOXYLATION OF; MULTIPLE COAGULATION FACTOR DEFICIENCY III; VITAMIN K-DEPENDENT COAGULATION DEFECT. Identifiers: Orphanet 98434, MedGen C1848534, MONDO:0010187, OMIM 277450.

Allele frequency attached by ClinVar (database versions not stated): ExAC 0.00001; gnomAD exomes 0.00001; TOPMed 0.00001.
gnomAD v4.1: 18 of 1,613,722 alleles (0.0011%); highest among the groups gnomAD compares: East Asian, 0.013%; no homozygotes.

Submissions (3):

PreventionGenetics, part of Exact Sciences
Classification: Likely benign for GGCX-related condition. Last evaluated: 2025-02-11. Review status: criteria provided, single submitter. Criteria: ACMG Guidelines, 2015. Collection method: clinical testing. Allele origin: germline.
Comment: This variant is classified as likely benign based on ACMG/AMP sequence variant interpretation guidelines (Richards et al. 2015 PMID: 25741868, with internal and published modifications).

Labcorp Genetics (formerly Invitae), Labcorp
Classification: Likely benign. Last evaluated: 2024-05-06. Review status: criteria provided, single submitter. Criteria: Invitae Variant Classification Sherloc (09022015). Collection method: clinical testing. Allele origin: germline.

Illumina Laboratory Services, Illumina
Classification: Uncertain significance for Vitamin K-dependent clotting factors, combined deficiency of, type 1. Last evaluated: 2018-01-12. Review status: criteria provided, single submitter. Criteria: ICSL Variant Classification Criteria 13 December 2019. Collection method: clinical testing. Allele origin: germline.